The following is an entry in ClinVar:

NM_000263.4(NAGLU):c.1446G>A (p.Arg482=)

Gene: NAGLU (N-acetyl-alpha-glucosaminidase; plus strand). Cytogenetic location: 17q21.2.
Variant type: single nucleotide variant.
Coding change: c.1446G>A on transcript NM_000263.4 (MANE Select); coding-DNA position 1446, G replaced by A.
Protein change: p.Arg482=; no amino-acid change (arginine 482 retained).
Molecular consequence: synonymous variant.
Genome position (GRCh38, 1-based): chr17:42,543,452, G>A. VCF-style: chr17-42543452-G-A. GRCh37 (hg19) VCF-style: chr17-40695470-G-A.
Other names: p.Arg482=.
Identifiers: ClinVar variation 522295 (VCV000522295.62), dbSNP rs115994665, ClinGen allele CA8577023.
Genomic context (GRCh38, chr17:42,543,452, plus strand): 5'-CTGGCGAAAGGACCCAGTGCCAGATTTGGCAGCCTGGGTGACCAGCTTTGCCGCCCGGCG[G>A]TATGGGGTCTCCCACCCGGACGCAGGGGCAGCGTGGAGGCTACTGCTCCGGAGTGTGTAC-3'
Protein context (NP_000254.2, residues 472-492): AAWVTSFAAR[Arg482=]YGVSHPDAGA

ClinVar aggregate classification (germline): Conflicting classifications of pathogenicity. Review status: criteria provided, conflicting classifications (1 of 4 stars). 8 submissions from 8 submitters: Uncertain significance (1); Benign (1); Likely benign (4). 2 of the submissions do not count toward it. Last evaluated 2026-01-28.

Conditions:
Mucopolysaccharidosis, MPS-III-B (MPS3B). Also called: MUCOPOLYSACCHARIDOSIS, TYPE IIIB; Mucopolysaccharidosis type IIIB (Sanfilippo B); MPS IIIB (Sanfilippo Syndrome Type B); MPS III B; N-ACETYL-ALPHA-D-GLUCOSAMINIDASE DEFICIENCY; NAGLU DEFICIENCY. Identifiers: Orphanet 79270, MedGen C0086648, MONDO:0009656, OMIM 252920.
NAGLU-related disorder. Also called: NAGLU-related condition.
Charcot-Marie-Tooth disease axonal type 2V. Also called: CHARCOT-MARIE-TOOTH NEUROPATHY, TYPE 2V; CHARCOT-MARIE-TOOTH DISEASE, AXONAL, AUTOSOMAL DOMINANT, TYPE 2V. Identifiers: Orphanet 447964, MedGen C5569050, MONDO:0014665, OMIM 616491.

Allele frequency attached by ClinVar (database versions not stated): 1000 Genomes Project 0.00040; gnomAD exomes 0.00045 and 0.00096; ESP Exome Variant Server 0.00046; 1000 Genomes Project 30x 0.00047; gnomAD 0.00062 and 0.00063; TOPMed 0.00083; ExAC 0.00095.
gnomAD v4.1: 813 of 1,599,146 alleles (0.051%); highest among the groups gnomAD compares: Middle Eastern, 0.18%; 3 homozygotes.

Submissions (8):

Labcorp Genetics (formerly Invitae), Labcorp
Classification: Likely benign for Charcot-Marie-Tooth disease axonal type 2V; Mucopolysaccharidosis, MPS-III-B. Last evaluated: 2026-01-28. Review status: criteria provided, single submitter. Criteria: Invitae Variant Classification Sherloc (09022015). Collection method: clinical testing. Allele origin: germline.

Blueprint Genetics
Classification: Likely benign. Last evaluated: 2024-11-25. Review status: criteria provided, single submitter. Criteria: ACMG Guidelines, 2015. Collection method: clinical testing. Allele origin: germline.

Mayo Clinic Laboratories, Mayo Clinic
Classification: Benign. Last evaluated: 2024-09-30. Review status: criteria provided, single submitter. Criteria: ACMG Guidelines, 2015. Collection method: clinical testing. Allele origin: germline. Observed: 5 variant alleles.
Comment: BA1, BP4, BP7

CeGaT Center for Human Genetics Tuebingen
Classification: Likely benign. Last evaluated: 2023-08-01. Review status: criteria provided, single submitter. Criteria: CeGaT Center For Human Genetics Tuebingen Variant Classification Criteria Version 2. Collection method: clinical testing. Allele origin: germline. Affected: yes. Observed: 7 variant alleles.
Comment: NAGLU: BP4, BP7

Clinical Genetics DNA and cytogenetics Diagnostics Lab, Erasmus MC, Erasmus Medical Center
Classification: Likely benign for Mucopolysaccharidosis, MPS-III-B. Last evaluated: 2017-06-28. Review status: criteria provided, single submitter. Criteria: ACGS Guidelines, 2013. Collection method: clinical testing. Allele origin: germline. Affected: yes. Study: VKGL Data-share Consensus.

Illumina Laboratory Services, Illumina
Classification: Uncertain significance for Mucopolysaccharidosis, MPS-III-B. Last evaluated: 2017-04-27. Review status: criteria provided, single submitter. Criteria: ICSL Variant Classification Criteria 13 December 2019. Collection method: clinical testing. Allele origin: germline.

PreventionGenetics, part of Exact Sciences
Classification: Benign for NAGLU-related condition. Last evaluated: 2024-06-03. Review status: no assertion criteria provided. Collection method: clinical testing. Allele origin: germline. Not counted in ClinVar's aggregate classification.
Comment: This variant is classified as benign based on ACMG/AMP sequence variant interpretation guidelines (Richards et al. 2015 PMID: 25741868, with internal and published modifications).

Clinical Genetics, Academic Medical Center
Classification: Benign. Review status: no assertion criteria provided. Collection method: clinical testing. Allele origin: germline. Affected: yes. Study: VKGL Data-share Consensus. Not counted in ClinVar's aggregate classification.